The following is an entry in ClinVar:

NM_000051.4(ATM):c.6709A>T (p.Lys2237Ter)

Genes: ATM (ATM serine/threonine kinase; plus strand), C11orf65 (chromosome 11 open reading frame 65; minus strand). Cytogenetic location: 11q22.3.
Variant type: single nucleotide variant.
Coding change: c.6709A>T on transcript NM_000051.4 (MANE Select); coding-DNA position 6709, A replaced by T.
Protein change: p.Lys2237Ter; replaces lysine 2237 with a stop codon.
Molecular consequence: nonsense. On other transcripts: intron variant (2).
Genome position (GRCh38, 1-based): chr11:108,325,446, A>T. VCF-style: chr11-108325446-A-T. GRCh37 (hg19) VCF-style: chr11-108196173-A-T.
Other names: c.6709A>T, p.Lys2237Ter (NM_001351834.2); c.641-16375T>A (NM_001330368.2); c.*38+9774T>A (NM_001351110.2); short protein forms K2237*.
Identifiers: ClinVar variation 4063408 (VCV004063408.1).
Genomic context (GRCh38, chr11:108,325,446, plus strand): 5'-TTTAGTTTTCAGGAGCCTATCATGGCTCTACGCACAGTCATTTTGGAGATCCTGATGGAA[A>T]AGGAAATGGACAACTCACAAAGAGAATGTATTAAGGACATTCTCACCAAACACCTTGTAG-3'

ClinVar aggregate classification (germline): Likely pathogenic (1 of 4 stars; one submission).

Conditions:
Ataxia-telangiectasia syndrome (AT). Also called: LOUIS-BAR SYNDROME; Cerebello-oculocutaneous telangiectasia; Immunodeficiency with ataxia telangiectasia; Ataxia-telangiectasia, complementation group D; AT, COMPLEMENTATION GROUP C; ATAXIA-TELANGIECTASIA, COMPLEMENTATION GROUP A. Identifiers: Orphanet 100, MedGen C0004135, MONDO:0008840, OMIM 208900.

Submission:

Natera, Inc.
Classification: Likely pathogenic for Ataxia-telangiectasia. Last evaluated: 2025-01-26. Review status: criteria provided, single submitter. Criteria: Natera Variant Classification Schema (03/2026). Collection method: clinical testing. Allele origin: germline.
Comment: The c.6709A>T variant in ATM is a nonsense variant predicted to introduce a stop codon at amino acid 2237. This variant is expected to result in nonsense mediated decay, truncation, or a dysfunctional protein product. This variant is rare in the general population with a frequency below the threshold expected for the associated phenotype(s). Given the available evidence, this variant is classified as Likely Pathogenic.